The following is an entry in ClinVar:

NM_001256106.3(CD101):c.674A>G (p.Asn225Ser)

Gene: CD101 (CD101 molecule; plus strand). Cytogenetic location: 1p13.1.
Variant type: single nucleotide variant.
Coding change: c.674A>G on transcript NM_001256106.3 (MANE Select); coding-DNA position 674, A replaced by G.
Protein change: p.Asn225Ser; replaces asparagine 225 with serine.
Molecular consequence: missense variant.
Genome position (GRCh38, 1-based): chr1:117,011,799, A>G. VCF-style: chr1-117011799-A-G. GRCh37 (hg19) VCF-style: chr1-117554421-A-G.
Other names: c.674A>G, p.Asn225Ser (NM_001256109.3, NM_004258.6); c.488A>G, p.Asn163Ser (NM_001256111.3); short protein forms N163S, N225S.
Identifiers: ClinVar variation 1280460 (VCV001280460.2), dbSNP rs3754112, ClinGen allele CA1028160.

ClinVar aggregate classification (germline): Benign. Review status: criteria provided, multiple submitters, no conflicts (2 of 4 stars). 2 submissions from 2 submitters: Benign (2). Last evaluated 2021-02-23.

Allele frequency attached by ClinVar (database versions not stated): 1000 Genomes Project 0.15036; TOPMed 0.22146; gnomAD 0.23019 and 0.23184; ESP Exome Variant Server 0.24496; ExAC 0.24821; gnomAD exomes 0.24935 and 0.29334.
gnomAD v4.1: 462,750 of 1,613,850 alleles (29%); highest among the groups gnomAD compares: Non-Finnish European, 32%; 71,147 homozygotes.

Submissions (2):

GeneDx
Classification: Benign. Last evaluated: 2021-02-23. Review status: criteria provided, single submitter. Criteria: GeneDx Variant Classification Process June 2021. Collection method: clinical testing. Allele origin: germline. Affected: yes.
Comment: This variant is associated with the following publications: (PMID: 29108000)

Breakthrough Genomics
Classification: Benign. Review status: criteria provided, single submitter. Criteria: ACMG Guidelines, 2015. Collection method: not provided. Allele origin: germline. Inheritance: Unknown mechanism. Affected: yes.